The following is an entry in ClinVar:

NM_198859.4(PRICKLE2):c.950A>G (p.Asn317Ser)

Gene: PRICKLE2 (prickle planar cell polarity protein 2; minus strand). Cytogenetic location: 3p14.1.
Variant type: single nucleotide variant.
Coding change: c.950A>G on transcript NM_198859.4 (MANE Select); coding-DNA position 950, A replaced by G.
Protein change: p.Asn317Ser; replaces asparagine 317 with serine.
Molecular consequence: missense variant.
Genome position (GRCh38, 1-based): chr3:64,147,540, T>C on the plus strand (A>G on the coding strand, the complement: PRICKLE2 is on the minus strand). VCF-style: chr3-64147540-T-C. GRCh37 (hg19) VCF-style: chr3-64133216-T-C.
Other names: c.950A>G, p.Asn317Ser (NM_001370528.1); short protein forms N317S.
Identifiers: ClinVar variation 955576 (VCV000955576.8), dbSNP rs201556180, ClinGen allele CA2479715.

ClinVar aggregate classification (germline): Uncertain significance. Review status: criteria provided, multiple submitters, no conflicts (2 of 4 stars). 2 submissions from 2 submitters: Uncertain significance (2). Last evaluated 2025-08-31.

Conditions:
Progressive myoclonic epilepsy type 5. Identifiers: Orphanet 402082, MedGen C5190799.

Allele frequency attached by ClinVar (database versions not stated): 1000 Genomes Project 0.00020; TOPMed 0.00003; gnomAD 0.00004; gnomAD exomes 0.00007; ExAC 0.00008; 1000 Genomes Project 30x 0.00016.
gnomAD v4.1: 103 of 1,614,210 alleles (0.0064%); highest among the groups gnomAD compares: East Asian, 0.02%; no homozygotes.

Submissions (2):

Labcorp Genetics (formerly Invitae), Labcorp
Classification: Uncertain significance for Progressive myoclonic epilepsy type 5. Last evaluated: 2025-08-31. Review status: criteria provided, single submitter. Criteria: Invitae Variant Classification Sherloc (09022015). Collection method: clinical testing. Allele origin: germline.
Comment: This sequence change replaces asparagine, which is neutral and polar, with serine, which is neutral and polar, at codon 317 of the PRICKLE2 protein (p.Asn317Ser). This variant is present in population databases (rs201556180, gnomAD 0.01%). This variant has not been reported in the literature in individuals affected with PRICKLE2-related conditions. ClinVar contains an entry for this variant (Variation ID: 955576). Invitae Evidence Modeling of protein sequence and biophysical properties (such as structural, functional, and spatial information, amino acid conservation, physicochemical variation, residue mobility, and thermodynamic stability) indicates that this missense variant is not expected to disrupt PRICKLE2 protein function with a negative predictive value of 80%. In summary, the available evidence is currently insufficient to determine the role of this variant in disease. Therefore, it has been classified as a Variant of Uncertain Significance.

Ambry Genetics
Classification: Uncertain significance. Last evaluated: 2024-05-07. Review status: criteria provided, single submitter. Criteria: Ambry Variant Classification Scheme 2023. Collection method: clinical testing. Allele origin: germline.